The following is an entry in ClinVar:

ClinVar aggregate classification (germline): Benign/Likely benign. Review status: criteria provided, multiple submitters, no conflicts (2 of 4 stars). 3 submissions from 3 submitters: Benign (2); Likely benign (1). Last evaluated 2026-04-01.

Allele frequency attached by ClinVar (database versions not stated): gnomAD exomes 0.00003 and 0.00011; ESP Exome Variant Server 0.00008; ExAC 0.00011; gnomAD 0.00011 and 0.00012; TOPMed 0.00011; 1000 Genomes Project 0.00040; 1000 Genomes Project 30x 0.00047.

Submissions (3):

CeGaT Center for Human Genetics Tuebingen
Classification: Benign. Last evaluated: 2026-04-01. Review status: criteria provided, single submitter. Criteria: CeGaT Center For Human Genetics Tuebingen Variant Classification Criteria Version 2. Collection method: clinical testing. Allele origin: germline. Affected: yes. Observed: 2 variant alleles.
Comment: ASXL3: BP4, BS1, BS2

Blueprint Genetics
Classification: Likely benign. Last evaluated: 2024-10-14. Review status: criteria provided, single submitter. Criteria: ACMG Guidelines, 2015. Collection method: clinical testing. Allele origin: germline.

GeneDx
Classification: Benign. Last evaluated: 2020-03-03. Review status: criteria provided, single submitter. Criteria: GeneDx Variant Classification Process June 2021. Collection method: clinical testing. Allele origin: germline. Affected: yes.

NM_030632.3(ASXL3):c.4243A>G (p.Met1415Val)

Gene: ASXL3 (ASXL transcriptional regulator 3; plus strand). Cytogenetic location: 18q12.1.
Variant type: single nucleotide variant.
Coding change: c.4243A>G on transcript NM_030632.3 (MANE Select); coding-DNA position 4243, A replaced by G.
Protein change: p.Met1415Val; replaces methionine 1415 with valine.
Molecular consequence: missense variant.
Genome position (GRCh38, 1-based): chr18:33,744,091, A>G. VCF-style: chr18-33744091-A-G. GRCh37 (hg19) VCF-style: chr18-31324055-A-G.
Other names: short protein forms M1415V.
Identifiers: ClinVar variation 1234790 (VCV001234790.8), dbSNP rs181303838, ClinGen allele CA8934214.
Genomic context (GRCh38, chr18:33,744,091, plus strand): 5'-CTCAGCTGCAGTGATTCTGTAGCGGTCACAGACTCTCTGGTTGCACACCCGACCGTCGCA[A>G]TGTTTACTGGAAACATGCTGACAATAAACTCTTATGATAGTCCTCCCAAGTTAAGTGCTG-3'
Protein context (NP_085135.1, residues 1405-1425): DSLVAHPTVA[Met1415Val]FTGNMLTINS